The following is an entry in ClinVar:

NM_015386.3(COG4):c.592C>T (p.Arg198Cys)

Gene: COG4 (component of oligomeric golgi complex 4; minus strand). Cytogenetic location: 16q22.1.
Variant type: single nucleotide variant.
Coding change: c.592C>T on transcript NM_015386.3 (MANE Select); coding-DNA position 592, C replaced by T.
Protein change: p.Arg198Cys; replaces arginine 198 with cysteine.
Molecular consequence: missense variant. On other transcripts: non-coding transcript variant (1).
Genome position (GRCh38, 1-based): chr16:70,512,385, G>A on the plus strand (C>T on the coding strand, the complement: COG4 is on the minus strand). VCF-style: chr16-70512385-G-A. GRCh37 (hg19) VCF-style: chr16-70546288-G-A.
Other names: c.580C>T, p.Arg194Cys (NM_001195139.2); c.166C>T, p.Arg56Cys (NM_001365426.1); short protein forms R198C, R194C, R56C.
Identifiers: ClinVar variation 95698 (VCV000095698.42), dbSNP rs118183032, ClinGen allele CA223185.
Genomic context (GRCh38, chr16:70,512,385, plus strand): 5'-GGGGCAGATCACCTTCCTTGGTGGCAATGGCAAACTTCTCTGCCACAATGGCTTTGAGAC[G>A]TTGCTCAGCTTCCTGCAGCAATTTCAGGTTGGCATCAATCATGCTCCCTGCTCAACAGGG-3'
Protein context (NP_056201.2, residues 188-208): NLKLLQEAEQ[Arg198Cys]LKAIVAEKFA

ClinVar aggregate classification (germline): Likely benign. Review status: criteria provided, multiple submitters, no conflicts (2 of 4 stars). 6 submissions from 6 submitters: Likely benign (6). Last evaluated 2026-05-01.

Conditions:
COG4-congenital disorder of glycosylation. Also called: COG4-CDG; CONGENITAL DISORDER OF GLYCOSYLATION, TYPE IIj; CDG IIj. Identifiers: Orphanet 263501, MedGen C4303552, MONDO:0013281, OMIM 613489.

Allele frequency attached by ClinVar (database versions not stated): gnomAD 0.00143 and 0.00133; TOPMed 0.00182; gnomAD exomes 0.00165 and 0.00200; ExAC 0.00165; 1000 Genomes Project 0.00160; ESP Exome Variant Server 0.00177; 1000 Genomes Project 30x 0.00203.
gnomAD v4.1: 2,697 of 1,614,136 alleles (0.17%); highest among the groups gnomAD compares: Middle Eastern, 0.5%; 7 homozygotes.

Submissions (6):

CeGaT Center for Human Genetics Tuebingen
Classification: Likely benign. Last evaluated: 2026-05-01. Review status: criteria provided, single submitter. Criteria: CeGaT Center For Human Genetics Tuebingen Variant Classification Criteria Version 2. Collection method: clinical testing. Allele origin: germline. Affected: yes. Observed: 4 variant alleles.
Comment: COG4: BP4, BS2

Labcorp Genetics (formerly Invitae), Labcorp
Classification: Likely benign for COG4-congenital disorder of glycosylation. Last evaluated: 2025-12-26. Review status: criteria provided, single submitter. Criteria: Invitae Variant Classification Sherloc (09022015). Collection method: clinical testing. Allele origin: germline.

Blueprint Genetics
Classification: Likely benign. Last evaluated: 2024-11-25. Review status: criteria provided, single submitter. Criteria: ACMG Guidelines, 2015. Collection method: clinical testing. Allele origin: germline.

GeneDx
Classification: Likely benign. Last evaluated: 2019-08-27. Review status: criteria provided, single submitter. Criteria: GeneDx Variant Classification Process June 2021. Collection method: clinical testing. Allele origin: germline. Affected: yes.
Comment: In silico analysis, which includes protein predictors and evolutionary conservation, supports a deleterious effect; Has not been previously published as pathogenic or benign to our knowledge

Eurofins Ntd Llc (ga)
Classification: Likely benign. Last evaluated: 2017-04-12. Review status: criteria provided, single submitter. Criteria: EGL Classification Definitions 2015. Collection method: clinical testing. Allele origin: germline. Observed: 3 variant alleles, 3 heterozygotes.

Breakthrough Genomics
Classification: Likely benign. Review status: criteria provided, single submitter. Criteria: ACMG Guidelines, 2015. Collection method: not provided. Allele origin: germline. Inheritance: Autosomal recessive inheritance. Affected: yes.